The following is an entry in ClinVar:

NM_133510.4(RAD51B):c.706G>C (p.Ala236Pro)

Gene: RAD51B (RAD51 paralog B; plus strand). Cytogenetic location: 14q24.1.
Variant type: single nucleotide variant.
Coding change: c.706G>C on transcript NM_133510.4 (MANE Select); coding-DNA position 706, G replaced by C.
Protein change: p.Ala236Pro; replaces alanine 236 with proline.
Molecular consequence: missense variant.
Genome position (GRCh38, 1-based): chr14:67,887,154, G>C. VCF-style: chr14-67887154-G-C. GRCh37 (hg19) VCF-style: chr14-68353871-G-C.
Other names: c.706G>C, p.Ala236Pro (NM_001321809.2, NM_001321810.2, NM_001321812.1 and 6 more transcripts); c.592G>C, p.Ala198Pro (NM_001321815.1); c.349G>C, p.Ala117Pro (NM_001321817.2); short protein forms A236P, A198P, A117P.
Identifiers: ClinVar variation 4149838 (VCV004149838.1).

ClinVar aggregate classification (germline): Uncertain significance (1 of 4 stars; one submission).

Submission:

Ambry Genetics
Classification: Uncertain significance. Last evaluated: 2025-08-01. Review status: criteria provided, single submitter. Criteria: Ambry Variant Classification Scheme 2023. Collection method: clinical testing. Allele origin: germline.
Comment: The p.A236P variant (also known as c.706G>C), located in coding exon 6 of the RAD51B gene, results from a G to C substitution at nucleotide position 706. The alanine at codon 236 is replaced by proline, an amino acid with highly similar properties. This amino acid position is conserved. In addition, the in silico prediction for this alteration is inconclusive. Based on the available evidence, the clinical significance of this variant remains unclear.